The following is an entry in ClinVar:

NM_000161.3(GCH1):c.308A>G (p.Gln103Arg)

Gene: GCH1 (GTP cyclohydrolase 1; minus strand). Cytogenetic location: 14q22.2.
Variant type: single nucleotide variant.
Coding change: c.308A>G on transcript NM_000161.3 (MANE Select); coding-DNA position 308, A replaced by G.
Protein change: p.Gln103Arg; replaces glutamine 103 with arginine.
Molecular consequence: missense variant.
Genome position (GRCh38, 1-based): chr14:54,902,356, T>C on the plus strand (A>G on the coding strand, the complement: GCH1 is on the minus strand). VCF-style: chr14-54902356-T-C. GRCh37 (hg19) VCF-style: chr14-55369074-T-C.
Other names: c.308A>G, p.Gln103Arg (NM_001024024.2, NM_001024070.2, NM_001024071.2 and 1 more transcripts); short protein forms Q103R.
Identifiers: ClinVar variation 3753544 (VCV003753544.2).

ClinVar aggregate classification (germline): Uncertain significance (1 of 4 stars; one submission).

Conditions:
GTP cyclohydrolase I deficiency. Identifiers: MedGen C0268467, MONDO:0100184.
Dystonia 5 (DRD). Also called: DYSTONIA, PROGRESSIVE, WITH DIURNAL VARIATION; DYSTONIA-PARKINSONISM WITH DIURNAL FLUCTUATION; GTP Cyclohydrolase 1-Deficient Dopa-Responsive Dystonia; Dystonia, DOPA-responsive, with or without hyperphenylalaninemia; DYT-GCH1. Identifiers: Orphanet 98808, MedGen C1851920, MONDO:0007495, OMIM 128230.

gnomAD v4.1: 1 of 1,612,820 alleles (0.000062%); highest among the groups gnomAD compares: Admixed American, 0.0017%; no homozygotes.

Submission:

Labcorp Genetics (formerly Invitae), Labcorp
Classification: Uncertain significance for GTP cyclohydrolase I deficiency; Dystonia 5. Last evaluated: 2025-01-27. Review status: criteria provided, single submitter. Criteria: Invitae Variant Classification Sherloc (09022015). Collection method: clinical testing. Allele origin: germline.
Comment: This sequence change replaces glutamine, which is neutral and polar, with arginine, which is basic and polar, at codon 103 of the GCH1 protein (p.Gln103Arg). This variant is not present in population databases (gnomAD no frequency). This variant has not been reported in the literature in individuals affected with GCH1-related conditions. Invitae Evidence Modeling of protein sequence and biophysical properties (such as structural, functional, and spatial information, amino acid conservation, physicochemical variation, residue mobility, and thermodynamic stability) indicates that this missense variant is not expected to disrupt GCH1 protein function with a negative predictive value of 80%. This variant disrupts the p.Gln103 amino acid residue in GCH1. Other variant(s) that disrupt this residue have been observed in individuals with GCH1-related conditions (PMID: 15753436, 22473768), which suggests that this may be a clinically significant amino acid residue. In summary, the available evidence is currently insufficient to determine the role of this variant in disease. Therefore, it has been classified as a Variant of Uncertain Significance.

Literature cited by the submitters: PubMed 15753436; PubMed 22473768.